The following is an entry in ClinVar:

NM_001903.5(CTNNA1):c.2013G>A (p.Ala671=)

Gene: CTNNA1 (catenin alpha 1; plus strand). Cytogenetic location: 5q31.2.
Variant type: single nucleotide variant.
Coding change: c.2013G>A on transcript NM_001903.5 (MANE Select); coding-DNA position 2013, G replaced by A.
Protein change: p.Ala671=; no amino-acid change (alanine 671 retained).
Molecular consequence: synonymous variant.
Genome position (GRCh38, 1-based): chr5:138,930,475, G>A. VCF-style: chr5-138930475-G-A. GRCh37 (hg19) VCF-style: chr5-138266164-G-A.
Other names: c.2013G>A, p.Ala671= (NM_001290307.3, NM_001323982.2, NM_001323983.1 and 2 more transcripts); c.1704G>A, p.Ala568= (NM_001290309.3); c.1644G>A, p.Ala548= (NM_001290310.3); c.903G>A, p.Ala301= (NM_001290312.1, NM_001323987.1, NM_001323988.1 and 17 more transcripts); c.1920G>A, p.Ala640= (NM_001323986.2); c.564G>A, p.Ala188= (NM_001324006.1, NM_001324007.1, NM_001324008.1 and 2 more transcripts); c.810G>A, p.Ala270= (NM_001324011.1); c.660G>A, p.Ala220= (NM_001324012.1, NM_001324013.1).
Identifiers: ClinVar variation 239063 (VCV000239063.52), dbSNP rs28363488, ClinGen allele CA3432107.

ClinVar aggregate classification (germline): Benign/Likely benign. Review status: criteria provided, multiple submitters, no conflicts (2 of 4 stars). 12 submissions from 12 submitters: Benign (2); Likely benign (6). 4 of the submissions do not count toward it. Last evaluated 2026-08-01.

Conditions:
Hereditary nonpolyposis colon cancer (HNPCC). Also called: Hereditary Nonpolyposis Colorectal Cancer Syndrome; Hereditary nonpolyposis colorectal cancer; Familial nonpolyposis colon cancer. Identifiers: Orphanet 443909, MedGen C1333990, MONDO:0018630. Disease mechanism: loss of function.
Hereditary cancer-predisposing syndrome. Also called: Hereditary neoplastic syndrome; Hereditary Cancer Syndrome; Neoplastic Syndromes, Hereditary; Tumor predisposition. Identifiers: Orphanet 140162, MedGen C0027672, MeSH D009386, MONDO:0015356.
Hereditary diffuse gastric adenocarcinoma (HDGC). Also called: DIFFUSE GASTRIC AND LOBULAR BREAST CANCER SYNDROME. Identifiers: Orphanet 26106, MedGen C1708349, MONDO:0007648, OMIM 137215.

Allele frequency attached by ClinVar (database versions not stated): gnomAD 0.00226; ESP Exome Variant Server 0.00246; TOPMed 0.00258; 1000 Genomes Project 0.00280; 1000 Genomes Project 30x 0.00359.
gnomAD v4.1: 5,337 of 1,610,376 alleles (0.33%); highest among the groups gnomAD compares: Admixed American, 0.45%; 19 homozygotes.

Submissions (12):

CeGaT Center for Human Genetics Tuebingen
Classification: Likely benign. Last evaluated: 2026-08-01. Review status: criteria provided, single submitter. Criteria: CeGaT Center For Human Genetics Tuebingen Variant Classification Criteria Version 2. Collection method: clinical testing. Allele origin: germline. Affected: yes. Observed: 15 variant alleles.
Comment: CTNNA1: BP4, BP7, BS2

Labcorp Genetics (formerly Invitae), Labcorp
Classification: Benign. Last evaluated: 2026-02-03. Review status: criteria provided, single submitter. Criteria: Invitae Variant Classification Sherloc (09022015). Collection method: clinical testing. Allele origin: germline.

Center for Genomic Medicine, Rigshospitalet, Copenhagen University Hospital
Classification: Likely benign. Last evaluated: 2025-03-04. Review status: criteria provided, single submitter. Criteria: ACMG Guidelines, 2015. Collection method: clinical testing. Allele origin: germline.

Blueprint Genetics
Classification: Likely benign. Last evaluated: 2024-11-25. Review status: criteria provided, single submitter. Criteria: ACMG Guidelines, 2015. Collection method: clinical testing. Allele origin: germline.

Myriad Genetics, Inc.
Classification: Benign for Hereditary diffuse gastric adenocarcinoma. Last evaluated: 2024-10-14. Review status: criteria provided, single submitter. Criteria: Myriad Autosomal Dominant, Autosomal Recessive and X-Linked Classification Criteria (2023). Collection method: clinical testing. Allele origin: unknown.
Comment: This variant is considered benign. This variant is a silent/synonymous amino acid change and it is not expected to impact splicing.

Department of Pathology and Laboratory Medicine, Sinai Health System
Classification: Likely benign for hereditary nonpolyposis colon cancer. Last evaluated: 2023-12-08. Review status: criteria provided, single submitter. Criteria: ACMG Guidelines, 2015. Collection method: clinical testing. Allele origin: germline. Affected: yes.

Ambry Genetics
Classification: Likely benign for Hereditary cancer-predisposing syndrome. Last evaluated: 2018-09-19. Review status: criteria provided, single submitter. Criteria: Ambry Variant Classification Scheme 2023. Collection method: clinical testing. Allele origin: germline.

Breakthrough Genomics
Classification: Likely benign. Review status: criteria provided, single submitter. Criteria: ACMG Guidelines, 2015. Collection method: not provided. Allele origin: germline. Inheritance: Autosomal dominant inheritance. Affected: yes.

Clinical Genetics DNA and cytogenetics Diagnostics Lab, Erasmus MC, Erasmus Medical Center
Classification: Likely benign. Review status: no assertion criteria provided. Collection method: clinical testing. Allele origin: germline. Affected: yes. Study: VKGL Data-share Consensus. Not counted in ClinVar's aggregate classification.

Clinical Genetics, Academic Medical Center
Classification: Benign. Review status: no assertion criteria provided. Collection method: clinical testing. Allele origin: germline. Affected: yes. Study: VKGL Data-share Consensus. Not counted in ClinVar's aggregate classification.

Diagnostic Laboratory, Department of Genetics, University Medical Center Groningen
Classification: Likely benign. Review status: no assertion criteria provided. Collection method: clinical testing. Allele origin: germline. Affected: yes. Study: VKGL Data-share Consensus. Not counted in ClinVar's aggregate classification.

Genome Diagnostics Laboratory, Amsterdam University Medical Center
Classification: Likely benign. Review status: no assertion criteria provided. Collection method: clinical testing. Allele origin: germline. Affected: yes. Study: VKGL Data-share Consensus. Not counted in ClinVar's aggregate classification.